The following is an entry in ClinVar:

NM_017999.5(RNF31):c.1573C>T (p.Arg525Cys)

Gene: RNF31 (ring finger protein 31; plus strand). Cytogenetic location: 14q12.
Variant type: single nucleotide variant.
Coding change: c.1573C>T on transcript NM_017999.5 (MANE Select); coding-DNA position 1573, C replaced by T.
Protein change: p.Arg525Cys; replaces arginine 525 with cysteine.
Molecular consequence: missense variant.
Genome position (GRCh38, 1-based): chr14:24,151,215, C>T. VCF-style: chr14-24151215-C-T. GRCh37 (hg19) VCF-style: chr14-24620424-C-T.
Other names: c.1573C>T (NM_017999.4); c.1120C>T, p.Arg374Cys (NM_001310332.2); short protein forms R525C, R374C.
Identifiers: ClinVar variation 1439532 (VCV001439532.11), dbSNP rs752991752, ClinGen allele CA7125826.

ClinVar aggregate classification (germline): Uncertain significance. Review status: criteria provided, multiple submitters, no conflicts (2 of 4 stars). 4 submissions from 4 submitters: Uncertain significance (4). Last evaluated 2025-08-31.

Conditions:
Immunodeficiency 115 with autoinflammation (IMD115). Identifiers: MedGen C5882724, MONDO:0957981, OMIM 620632.

Allele frequency attached by ClinVar (database versions not stated): gnomAD exomes 0.00003 and 0.00005; TOPMed 0.00003; ExAC 0.00007; gnomAD 0.00007.
gnomAD v4.1: 54 of 1,614,052 alleles (0.0033%); highest among the groups gnomAD compares: South Asian, 0.016%; 1 homozygote.

Submissions (4):

Labcorp Genetics (formerly Invitae), Labcorp
Classification: Uncertain significance. Last evaluated: 2025-08-31. Review status: criteria provided, single submitter. Criteria: Invitae Variant Classification Sherloc (09022015). Collection method: clinical testing. Allele origin: germline.
Comment: This sequence change replaces arginine, which is basic and polar, with cysteine, which is neutral and slightly polar, at codon 525 of the RNF31 protein (p.Arg525Cys). This variant is present in population databases (rs752991752, gnomAD 0.03%). This variant has not been reported in the literature in individuals affected with RNF31-related conditions. ClinVar contains an entry for this variant (Variation ID: 1439532). An algorithm developed to predict the effect of missense changes on protein structure and function (PolyPhen-2) suggests that this variant is likely to be tolerated. In summary, the available evidence is currently insufficient to determine the role of this variant in disease. Therefore, it has been classified as a Variant of Uncertain Significance.

Blueprint Genetics
Classification: Uncertain significance. Last evaluated: 2024-09-18. Review status: criteria provided, single submitter. Criteria: ACMG Guidelines, 2015. Collection method: clinical testing. Allele origin: germline.

Fulgent Genetics
Classification: Uncertain significance for Immunodeficiency 115 with autoinflammation. Last evaluated: 2024-03-26. Review status: criteria provided, single submitter. Criteria: ACMG Guidelines, 2015. Collection method: clinical testing. Allele origin: germline.

Ambry Genetics
Classification: Uncertain significance. Last evaluated: 2023-11-06. Review status: criteria provided, single submitter. Criteria: Ambry Variant Classification Scheme 2023. Collection method: clinical testing. Allele origin: germline.